The following is an entry in ClinVar:

NM_005159.5(ACTC1):c.198C>G (p.Ile66Met)

Genes: ACTC1 (actin alpha cardiac muscle 1; minus strand), GJD2-DT (GJD2 divergent transcript; plus strand). Cytogenetic location: 15q14.
Variant type: single nucleotide variant.
Coding change: c.198C>G on transcript NM_005159.5 (MANE Select); coding-DNA position 198, C replaced by G.
Protein change: p.Ile66Met; replaces isoleucine 66 with methionine.
Molecular consequence: missense variant.
Genome position (GRCh38, 1-based): chr15:34,793,501, G>C on the plus strand (C>G on the coding strand, the complement: ACTC1 is on the minus strand). VCF-style: chr15-34793501-G-C. GRCh37 (hg19) VCF-style: chr15-35085702-G-C.
Other names: c.198C>G, p.Ile66Met (NM_001406482.1, NM_001406483.1); c.63C>G, p.Ile21Met (NM_001406484.1); c.-191C>G (NM_001406485.1); short protein forms I21M, I66M.
Identifiers: ClinVar variation 1783928 (VCV001783928.2), dbSNP rs780724030, ClinGen allele CA391631983.
Genomic context (GRCh38, chr15:34,793,501, plus strand): 5'-CTTCTCCATGTCGTCCCAGTTGGTGATGATACCATGCTCGATGGGATACTTCAGGGTCAG[G>C]ATGCCTCTCTTGCTCTGGGCTTCATCACCTACGTAGGAGTCCTTCTGACCCATACCCACC-3'
Protein context (NP_005150.1, residues 56-76): VGDEAQSKRG[Ile66Met]LTLKYPIEHG

ClinVar aggregate classification (germline): Uncertain significance (1 of 4 stars; one submission).

Conditions:
Cardiovascular phenotype. Identifiers: MedGen CN230736.

Submission:

Ambry Genetics
Classification: Uncertain significance for Cardiovascular phenotype. Last evaluated: 2022-07-17. Review status: criteria provided, single submitter. Criteria: Ambry Variant Classification Scheme 2023. Collection method: clinical testing. Allele origin: germline.
Comment: The p.I66M variant (also known as c.198C>G), located in coding exon 2 of the ACTC1 gene, results from a C to G substitution at nucleotide position 198. The isoleucine at codon 66 is replaced by methionine, an amino acid with highly similar properties. This amino acid position is conserved. In addition, this alteration is predicted to be deleterious by in silico analysis. Since supporting evidence is limited at this time, the clinical significance of this alteration remains unclear.